The following is an entry in ClinVar:

NM_001035.3(RYR2):c.2204-254G>A

Gene: RYR2 (ryanodine receptor 2; plus strand). Cytogenetic location: 1q43.
Variant type: single nucleotide variant.
Coding change: c.2204-254G>A on transcript NM_001035.3 (MANE Select); 254 bases into the intron before coding-DNA position 2204, G replaced by A.
Molecular consequence: intron variant.
Genome position (GRCh38, 1-based): chr1:237,500,457, G>A. VCF-style: chr1-237500457-G-A. GRCh37 (hg19) VCF-style: chr1-237663757-G-A.
Identifiers: ClinVar variation 683771 (VCV000683771.1), dbSNP rs2618698, ClinGen allele CA15140498.

ClinVar aggregate classification (germline): Benign (1 of 4 stars; one submission).

Allele frequency attached by ClinVar (database versions not stated): TOPMed 0.58440; gnomAD 0.59636 and 0.59713; 1000 Genomes Project 30x 0.55965; 1000 Genomes Project 0.56090.
gnomAD v4.1: 90,751 of 152,024 alleles (60%); highest among the groups gnomAD compares: Non-Finnish European, 66%; 27,691 homozygotes.

Submission:

GeneDx
Classification: Benign. Last evaluated: 2018-06-18. Review status: criteria provided, single submitter. Criteria: GeneDx Variant Classification (06012015). Collection method: clinical testing. Allele origin: germline. Affected: yes.
Comment: This variant is considered likely benign or benign based on one or more of the following criteria: it is a conservative change, it occurs at a poorly conserved position in the protein, it is predicted to be benign by multiple in silico algorithms, and/or has population frequency not consistent with disease.